The following is an entry in ClinVar:

ClinVar aggregate classification (germline): Uncertain significance (0 of 4 stars; one submission).

Conditions:
ADCY3-related disorder. Also called: ADCY3-related condition.

gnomAD v4.1: 6 of 1,613,556 alleles (0.00037%); highest among the groups gnomAD compares: Non-Finnish European, 0.00051%; no homozygotes.

Submission:

PreventionGenetics, part of Exact Sciences
Classification: Uncertain significance for ADCY3-related condition. Last evaluated: 2024-02-26. Review status: no assertion criteria provided. Collection method: clinical testing. Allele origin: germline.
Comment: The ADCY3 c.3131-8T>C variant is predicted to interfere with splicing. To our knowledge, this variant has not been reported in the literature or in a large population database, indicating this variant is rare. At this time, the clinical significance of this variant is uncertain due to the absence of conclusive functional and genetic evidence.

NM_004036.5(ADCY3):c.3128-8T>C

Genes: ADCY3 (adenylate cyclase 3; minus strand), CENPO (centromere protein O; plus strand). Cytogenetic location: 2p23.3.
Variant type: single nucleotide variant.
Coding change: c.3128-8T>C on transcript NM_004036.5 (MANE Select); 8 bases into the intron before coding-DNA position 3128, T replaced by C.
Molecular consequence: intron variant. On other transcripts: 3 prime UTR variant (3), non-coding transcript variant (3).
Genome position (GRCh38, 1-based): chr2:24,820,856, A>G on the plus strand (T>C on the coding strand, the complement: ADCY3 is on the minus strand). VCF-style: chr2-24820856-A-G. GRCh37 (hg19) VCF-style: chr2-25043725-A-G.
Other names: c.*1538A>G (NM_001199803.3, NM_001322101.2, NM_024322.4); c.2576-8T>C (NM_001377130.1); c.2990-8T>C (NM_001377129.1); c.3131-8T>C (NM_001320613.2); c.3194-8T>C (NM_001377128.1); c.3128-8T>C (NM_001377132.1); c.2405-8T>C (NM_001377131.1).
Identifiers: ClinVar variation 3349974 (VCV003349974.1).